The following is an entry in ClinVar:

ClinVar aggregate classification (germline): Uncertain significance (1 of 4 stars; one submission).

Conditions:
Immunodeficiency 36 with lymphoproliferation. Also called: ACTIVATED PI3K-DELTA SYNDROME 2; Activated PI3K Delta Syndrome Type 2 (APDS2); Immunodeficiency 36. Identifiers: Orphanet 397596, Orphanet 693681, MedGen C4014934, MONDO:0014453, OMIM 616005.
Agammaglobulinemia 7, autosomal recessive (AGM7). Also called: AGAMMAGLOBULINEMIA, AUTOSOMAL RECESSIVE, DUE TO PIK3R1 DEFECT. Identifiers: MedGen C3554689, MONDO:0014083, OMIM 615214.
SHORT syndrome. Also called: PIK3R1-Related SHORT Syndrome; SHORT STATURE, HYPEREXTENSIBILITY, HERNIA, OCULAR DEPRESSION, RIEGER ANOMALY, AND TEETHING DELAY; LIPODYSTROPHY, PARTIAL, WITH RIEGER ANOMALY AND SHORT STATURE. Identifiers: Orphanet 3163, MedGen C0878684, MONDO:0010026, OMIM 269880.

Allele frequency attached by ClinVar (database versions not stated): TOPMed below 0.00001.

Submission:

Labcorp Genetics (formerly Invitae), Labcorp
Classification: Uncertain significance for SHORT syndrome; Immunodeficiency 36 with lymphoproliferation; Agammaglobulinemia 7, autosomal recessive. Last evaluated: 2022-08-22. Review status: criteria provided, single submitter. Criteria: Invitae Variant Classification Sherloc (09022015). Collection method: clinical testing. Allele origin: germline.
Comment: This sequence change replaces serine, which is neutral and polar, with glycine, which is neutral and non-polar, at codon 541 of the PIK3R1 protein (p.Ser541Gly). This variant is not present in population databases (gnomAD no frequency). This variant has not been reported in the literature in individuals affected with PIK3R1-related conditions. Algorithms developed to predict the effect of missense changes on protein structure and function are either unavailable or do not agree on the potential impact of this missense change (SIFT: "Tolerated"; PolyPhen-2: "Probably Damaging"; Align-GVGD: "Class C0"). In summary, the available evidence is currently insufficient to determine the role of this variant in disease. Therefore, it has been classified as a Variant of Uncertain Significance.

NM_181523.3(PIK3R1):c.1621A>G (p.Ser541Gly)

Gene: PIK3R1 (phosphoinositide-3-kinase regulatory subunit 1; plus strand). Cytogenetic location: 5q13.1.
Variant type: single nucleotide variant.
Coding change: c.1621A>G on transcript NM_181523.3 (MANE Select); coding-DNA position 1621, A replaced by G.
Protein change: p.Ser541Gly; replaces serine 541 with glycine.
Molecular consequence: missense variant.
Genome position (GRCh38, 1-based): chr5:68,295,200, A>G. VCF-style: chr5-68295200-A-G. GRCh37 (hg19) VCF-style: chr5-67591028-A-G.
Other names: c.532A>G, p.Ser178Gly (NM_001242466.2); c.811A>G, p.Ser271Gly (NM_181504.4); c.721A>G, p.Ser241Gly (NM_181524.2); short protein forms S178G, S241G, S271G, S541G.
Identifiers: ClinVar variation 1717779 (VCV001717779.6), dbSNP rs1747640764, ClinGen allele CA359882774.
Genomic context (GRCh38, chr5:68,295,200, plus strand): 5'-GCCTGCAGGATTATGCATAATTATGATAAGTTGAAGTCTCGAATCAGTGAAATTATTGAC[A>G]GTAGAAGAAGATTGGAAGAAGACTTGAAGAAGCAGGCAGCTGAGTATCGAGAAATTGACA-3'
Protein context (NP_852664.1, residues 531-551): LKSRISEIID[Ser541Gly]RRRLEEDLKK